The following is an entry in ClinVar:

NM_000443.4(ABCB4):c.1560+1G>A

Gene: ABCB4 (ATP binding cassette subfamily B member 4; minus strand). Cytogenetic location: 7q21.12.
Variant type: single nucleotide variant.
Coding change: c.1560+1G>A on transcript NM_000443.4 (MANE Select); the canonical splice donor site of the intron after coding-DNA position 1560, G replaced by A.
Molecular consequence: splice donor variant.
Genome position (GRCh38, 1-based): chr7:87,440,198, C>T on the plus strand (G>A on the coding strand, the complement: ABCB4 is on the minus strand). VCF-style: chr7-87440198-C-T. GRCh37 (hg19) VCF-style: chr7-87069514-C-T.
Other names: c.1560+1G>A (NM_018850.3, NM_018849.3).
Identifiers: ClinVar variation 1676065 (VCV001676065.34), dbSNP rs2116689179, ClinGen allele CA368040939.
Genomic context (GRCh38, chr7:87,440,198, plus strand): 5'-AACTCAGTCCTATGAGGTGAAATTCTAATTTCAAGGACAACTACTTTATCAGAGGCTTTA[C>T]CTGTGGTAATTTCATGATAAACTCATAGGCGTTGGCCTCTTTGACAGCTTTCTTTATCTC-3'

ClinVar aggregate classification (germline): Likely pathogenic. Review status: criteria provided, multiple submitters, no conflicts (2 of 4 stars). 2 submissions from 2 submitters: Likely pathogenic (2). Last evaluated 2026-04-01.

Conditions:
Progressive familial intrahepatic cholestasis type 3. Also called: MDR3 DEFICIENCY; Low Gamma-GT Familial Intrahepatic Cholestasis. Identifiers: Orphanet 79305, MedGen C1865643, MONDO:0011214, OMIM 602347.

Submissions (2):

Department of Genetics, Sultan Qaboos University Hospital
Classification: Likely pathogenic for Progressive familial intrahepatic cholestasis type 3. Last evaluated: 2026-04-01. Review status: criteria provided, single submitter. Criteria: ACMG Guidelines, 2015. Collection method: clinical testing. Allele origin: germline. Affected: yes. Observed: 1 variant allele.
Comment: PM2_Supporting, PVS1

CeGaT Center for Human Genetics Tuebingen
Classification: Likely pathogenic. Last evaluated: 2022-03-01. Review status: criteria provided, single submitter. Criteria: CeGaT Center For Human Genetics Tuebingen Variant Classification Criteria Version 2. Collection method: clinical testing. Allele origin: germline. Affected: yes. Observed: 1 variant allele.
Comment: ABCB4: PVS1:Strong, PM2, PM3:Supporting, PP4